The following is an entry in ClinVar:

NM_177924.5(ASAH1):c.217-129T>C

Gene: ASAH1 (N-acylsphingosine amidohydrolase 1; minus strand). Cytogenetic location: 8p22.
Variant type: single nucleotide variant.
Coding change: c.217-129T>C on transcript NM_177924.5 (MANE Select); 129 bases into the intron before coding-DNA position 217, T replaced by C.
Molecular consequence: intron variant.
Genome position (GRCh38, 1-based): chr8:18,070,007, A>G on the plus strand (T>C on the coding strand, the complement: ASAH1 is on the minus strand). VCF-style: chr8-18070007-A-G. GRCh37 (hg19) VCF-style: chr8-17927516-A-G.
Other names: c.265-129T>C (NM_004315.6); c.285+1293T>C (NM_001127505.3); c.22-129T>C (NM_001363743.2).
Identifiers: ClinVar variation 678028 (VCV000678028.1), dbSNP rs35815009, ClinGen allele CA12754793.

ClinVar aggregate classification (germline): Benign (1 of 4 stars; one submission).

Allele frequency attached by ClinVar (database versions not stated): 1000 Genomes Project 30x 0.42021; 1000 Genomes Project 0.42053; gnomAD 0.42342 and 0.42826; TOPMed 0.43375.
gnomAD v4.1: 262,947 of 585,330 alleles (45%); highest among the groups gnomAD compares: Admixed American, 55%; 61,569 homozygotes.

Submission:

GeneDx
Classification: Benign. Last evaluated: 2018-06-19. Review status: criteria provided, single submitter. Criteria: GeneDx Variant Classification (06012015). Collection method: clinical testing. Allele origin: germline. Affected: yes.
Comment: This variant is considered likely benign or benign based on one or more of the following criteria: it is a conservative change, it occurs at a poorly conserved position in the protein, it is predicted to be benign by multiple in silico algorithms, and/or has population frequency not consistent with disease.